The following is an entry in ClinVar:

ClinVar aggregate classification (germline): Uncertain significance. Review status: criteria provided, multiple submitters, no conflicts (2 of 4 stars). 2 submissions from 2 submitters: Uncertain significance (2). Last evaluated 2021-11-10.

Conditions:
Glycogen storage disease IXa1. Also called: LIVER GLYCOGENOSIS, X-LINKED, TYPE I; Glycogen storage disease 8; GLYCOGEN STORAGE DISEASE VIII; GSD VIII. Identifiers: Orphanet 264580, MedGen C3694531, MONDO:0010598, OMIM 306000.
Inborn genetic diseases. Identifiers: MedGen C0950123, MeSH D030342.

Allele frequency attached by ClinVar (database versions not stated): gnomAD 0.00002; TOPMed 0.00002; gnomAD exomes 0.00005.
gnomAD v4.1: 58 of 1,203,756 alleles (0.0048%); highest among the groups gnomAD compares: Non-Finnish European, 0.0064%; no homozygotes.

Submissions (2):

Labcorp Genetics (formerly Invitae), Labcorp
Classification: Uncertain significance for Glycogen storage disease IXa1. Last evaluated: 2021-11-10. Review status: criteria provided, single submitter. Criteria: Invitae Variant Classification Sherloc (09022015). Collection method: clinical testing. Allele origin: germline.
Comment: This sequence change falls in intron 29 of the PHKA2 gene. It does not directly change the encoded amino acid sequence of the PHKA2 protein. It affects a nucleotide within the consensus splice site. This variant is not present in population databases (gnomAD no frequency). This variant has not been reported in the literature in individuals affected with PHKA2-related conditions. Variants that disrupt the consensus splice site are a relatively common cause of aberrant splicing (PMID: 17576681, 9536098). Algorithms developed to predict the effect of sequence changes on RNA splicing suggest that this variant is not likely to affect RNA splicing. In summary, the available evidence is currently insufficient to determine the role of this variant in disease. Therefore, it has been classified as a Variant of Uncertain Significance.

Ambry Genetics
Classification: Uncertain significance for Inborn genetic diseases. Last evaluated: 2021-02-19. Review status: criteria provided, single submitter. Criteria: Ambry Variant Classification Scheme 2023. Collection method: clinical testing. Allele origin: germline.
Comment: The c.3111+5C>T intronic alteration consists of a C to T substitution nucleotides after coding exon 29 in the PHKA2 gene. Based on insufficient or conflicting evidence, the clinical significance of this alteration remains unclear.

Literature cited by the submitters: PubMed 17576681 (cited by Labcorp Genetics (formerly Invitae), Labcorp); PubMed 9536098 (cited by Labcorp Genetics (formerly Invitae), Labcorp).

NM_000292.3(PHKA2):c.3111+5C>T

Gene: PHKA2 (phosphorylase kinase regulatory subunit alpha 2; minus strand). Cytogenetic location: Xp22.13.
Variant type: single nucleotide variant.
Coding change: c.3111+5C>T on transcript NM_000292.3 (MANE Select); 5 bases into the intron after coding-DNA position 3111, C replaced by T.
Molecular consequence: intron variant.
Genome position (GRCh38, 1-based): chrX:18,899,168, G>A on the plus strand (C>T on the coding strand, the complement: PHKA2 is on the minus strand). VCF-style: chrX-18899168-G-A. GRCh37 (hg19) VCF-style: chrX-18917286-G-A.
Other names: c.3111+5C>T (NM_000292.2).
Identifiers: ClinVar variation 1522250 (VCV001522250.7), dbSNP rs756217257, ClinGen allele CA327030526.